The following is an entry in ClinVar:

ClinVar aggregate classification (germline): Uncertain significance. Review status: criteria provided, multiple submitters, no conflicts (2 of 4 stars). 2 submissions from 2 submitters: Uncertain significance (2). Last evaluated 2026-03-20.

Conditions:
Hereditary cancer-predisposing syndrome. Also called: Hereditary neoplastic syndrome; Neoplastic Syndromes, Hereditary; Tumor predisposition; Hereditary Cancer Syndrome. Identifiers: Orphanet 140162, MedGen C0027672, MeSH D009386, MONDO:0015356.

Submissions (2):

Ambry Genetics
Classification: Uncertain significance for Hereditary cancer-predisposing syndrome. Last evaluated: 2026-03-20. Review status: criteria provided, single submitter. Criteria: Ambry Variant Classification Scheme 2023. Collection method: clinical testing. Allele origin: germline.
Comment: The c.4005+3A>G intronic variant results from an A to G substitution 3 nucleotides after coding exon 31 in the POLE gene. This nucleotide position is poorly conserved in available vertebrate species. In silico splice site analysis predicts that this alteration will not have any significant effect on splicing. Based on the available evidence, the clinical significance of this variant remains unclear.

Labcorp Genetics (formerly Invitae), Labcorp
Classification: Uncertain significance. Last evaluated: 2021-08-27. Review status: criteria provided, single submitter. Criteria: Invitae Variant Classification Sherloc (09022015). Collection method: clinical testing. Allele origin: germline.
Comment: In summary, the available evidence is currently insufficient to determine the role of this variant in disease. Therefore, it has been classified as a Variant of Uncertain Significance. Nucleotide substitutions within the consensus splice site are a relatively common cause of aberrant splicing (PMID: 17576681, 9536098). Algorithms developed to predict the effect of sequence changes on RNA splicing suggest that this variant may disrupt the consensus splice site, but this prediction has not been confirmed by published transcriptional studies. This variant has not been reported in the literature in individuals with POLE-related conditions. This variant is not present in population databases (ExAC no frequency). This sequence change falls in intron 31 of the POLE gene. It does not directly change the encoded amino acid sequence of the POLE protein, but it affects a nucleotide within the consensus splice site of the intron.

Literature cited by the submitters: PubMed 17576681 (cited by Labcorp Genetics (formerly Invitae), Labcorp); PubMed 9536098 (cited by Labcorp Genetics (formerly Invitae), Labcorp).

NM_006231.4(POLE):c.4005+3A>G

Gene: POLE (DNA polymerase epsilon, catalytic subunit; minus strand). Cytogenetic location: 12q24.33.
Variant type: single nucleotide variant.
Coding change: c.4005+3A>G on transcript NM_006231.4 (MANE Select); 3 bases into the intron after coding-DNA position 4005, A replaced by G.
Molecular consequence: intron variant.
Genome position (GRCh38, 1-based): chr12:132,649,303, T>C on the plus strand (A>G on the coding strand, the complement: POLE is on the minus strand). VCF-style: chr12-132649303-T-C. GRCh37 (hg19) VCF-style: chr12-133225889-T-C.
Other names: c.4005+3A>G (NM_006231.2).
Identifiers: ClinVar variation 2916533 (VCV002916533.4), dbSNP rs2138604516, ClinGen allele CA2739277367.